The following is an entry in ClinVar:

ClinVar aggregate classification (germline): Uncertain significance (1 of 4 stars; one submission).

Conditions:
Landau-Kleffner syndrome (FESD). Also called: APHASIA, ACQUIRED, WITH EPILEPSY; EPILEPSY, FOCAL, WITH SPEECH DISORDER AND WITH OR WITHOUT MENTAL RETARDATION. Identifiers: Orphanet 1945, Orphanet 725, Orphanet 98818, MedGen C0282512, MONDO:0009509, OMIM 245570.

Allele frequency attached by ClinVar (database versions not stated): gnomAD exomes below 0.00001.
gnomAD v4.1: 6 of 1,613,686 alleles (0.00037%); highest among the groups gnomAD compares: Non-Finnish European, 0.00042%; no homozygotes.

Submission:

Labcorp Genetics (formerly Invitae), Labcorp
Classification: Uncertain significance for Landau-Kleffner syndrome. Last evaluated: 2020-07-08. Review status: criteria provided, single submitter. Criteria: Invitae Variant Classification Sherloc (09022015). Collection method: clinical testing. Allele origin: germline.
Comment: This sequence change affects codon 474 of the GRIN2A mRNA. It is a 'silent' change, meaning that it does not change the encoded amino acid sequence of the GRIN2A protein. This variant is not present in population databases (ExAC no frequency). This variant has not been reported in the literature in individuals with GRIN2A-related conditions. Algorithms developed to predict the effect of sequence changes on RNA splicing suggest that this variant may create or strengthen a splice site, but this prediction has not been confirmed by published transcriptional studies. In summary, the available evidence is currently insufficient to determine the role of this variant in disease. Therefore, it has been classified as a Variant of Uncertain Significance.

NM_001134407.3(GRIN2A):c.1422T>G (p.Thr474=)

Gene: GRIN2A (glutamate ionotropic receptor NMDA type subunit 2A; minus strand). Cytogenetic location: 16p13.2.
Variant type: single nucleotide variant.
Coding change: c.1422T>G on transcript NM_001134407.3 (MANE Select); coding-DNA position 1422, T replaced by G.
Protein change: p.Thr474=; no amino-acid change (threonine 474 retained).
Molecular consequence: synonymous variant.
Genome position (GRCh38, 1-based): chr16:9,841,011, A>C on the plus strand (T>G on the coding strand, the complement: GRIN2A is on the minus strand). VCF-style: chr16-9841011-A-C. GRCh37 (hg19) VCF-style: chr16-9934868-A-C.
Other names: c.1422T>G, p.Thr474= (NM_000833.5, NM_001134408.2).
Identifiers: ClinVar variation 1035514 (VCV001035514.1), dbSNP rs905817094, ClinGen allele CA278181484.